The following is an entry in ClinVar:

NM_022124.6(CDH23):c.9973C>T (p.Arg3325Cys)

Gene: CDH23 (cadherin related 23; plus strand). Cytogenetic location: 10q22.1.
Variant type: single nucleotide variant.
Coding change: c.9973C>T on transcript NM_022124.6 (MANE Select); coding-DNA position 9973, C replaced by T.
Protein change: p.Arg3325Cys; replaces arginine 3325 with cysteine.
Molecular consequence: missense variant.
Genome position (GRCh38, 1-based): chr10:71,815,186, C>T. VCF-style: chr10-71815186-C-T. GRCh37 (hg19) VCF-style: chr10-73574943-C-T.
Other names: c.3253C>T, p.Arg1085Cys (NM_001171933.1); c.3148C>T, p.Arg1050Cys (NM_001171934.1); c.664C>T, p.Arg222Cys (NM_001171935.1); c.559C>T, p.Arg187Cys (NM_001171936.1); short protein forms R1050C, R1085C, R187C, R222C, R3325C.
Identifiers: ClinVar variation 1007522 (VCV001007522.6), dbSNP rs766510687, ClinGen allele CA5547231.

ClinVar aggregate classification (germline): Uncertain significance. Review status: criteria provided, single submitter (1 of 4 stars). 2 submissions from 2 submitters: Uncertain significance (1). 1 of the submissions does not count toward it. Last evaluated 2024-01-08.

Conditions:
Usher syndrome type 1 (USH1). Also called: RETINITIS PIGMENTOSA AND CONGENITAL DEAFNESS. Identifiers: Orphanet 231169, Orphanet 886, MedGen C1568247, MONDO:0010168, OMIM 276900.

gnomAD v4.1: 9 of 1,610,294 alleles (0.00056%); highest among the groups gnomAD compares: Admixed American, 0.005%; no homozygotes.

Submissions (2):

Labcorp Genetics (formerly Invitae), Labcorp
Classification: Uncertain significance. Last evaluated: 2024-01-08. Review status: criteria provided, single submitter. Criteria: Invitae Variant Classification Sherloc (09022015). Collection method: clinical testing. Allele origin: germline.
Comment: This sequence change replaces arginine, which is basic and polar, with cysteine, which is neutral and slightly polar, at codon 3325 of the CDH23 protein (p.Arg3325Cys). This variant is present in population databases (rs766510687, gnomAD 0.006%). This variant has not been reported in the literature in individuals affected with CDH23-related conditions. ClinVar contains an entry for this variant (Variation ID: 1007522). Advanced modeling of protein sequence and biophysical properties (such as structural, functional, and spatial information, amino acid conservation, physicochemical variation, residue mobility, and thermodynamic stability) performed at Invitae indicates that this missense variant is not expected to disrupt CDH23 protein function with a negative predictive value of 95%. In summary, the available evidence is currently insufficient to determine the role of this variant in disease. Therefore, it has been classified as a Variant of Uncertain Significance.

Natera, Inc.
Classification: Uncertain significance for Usher syndrome type 1. Last evaluated: 2021-02-09. Review status: no assertion criteria provided. Collection method: clinical testing. Allele origin: germline. Not counted in ClinVar's aggregate classification.